The following is an entry in ClinVar:

NM_012469.4(PRPF6):c.2432-3T>C

Gene: PRPF6 (pre-mRNA processing factor 6; plus strand). Cytogenetic location: 20q13.33.
Variant type: single nucleotide variant.
Coding change: c.2432-3T>C on transcript NM_012469.4 (MANE Select); 3 bases into the intron before coding-DNA position 2432, T replaced by C.
Molecular consequence: intron variant.
Genome position (GRCh38, 1-based): chr20:64,029,374, T>C. VCF-style: chr20-64029374-T-C. GRCh37 (hg19) VCF-style: chr20-62660727-T-C.
Identifiers: ClinVar variation 4708840 (VCV004708840.1).

ClinVar aggregate classification (germline): Uncertain significance (1 of 4 stars; one submission).

gnomAD v4.1: 8 of 1,612,856 alleles (0.0005%); highest among the groups gnomAD compares: Non-Finnish European, 0.00068%; no homozygotes.

Submission:

Labcorp Genetics (formerly Invitae), Labcorp
Classification: Uncertain significance. Last evaluated: 2025-07-21. Review status: criteria provided, single submitter. Criteria: Invitae Variant Classification Sherloc (09022015). Collection method: clinical testing. Allele origin: germline.
Comment: This sequence change falls in intron 18 of the PRPF6 gene. It does not directly change the encoded amino acid sequence of the PRPF6 protein. It affects a nucleotide within the consensus splice site. This variant is present in population databases (rs113649852, gnomAD 0.002%). This variant has not been reported in the literature in individuals affected with PRPF6-related conditions. Variants that disrupt the consensus splice site are a relatively common cause of aberrant splicing (PMID: 17576681, 9536098). Algorithms developed to predict the effect of sequence changes on RNA splicing suggest that this variant is not likely to affect RNA splicing. In summary, the available evidence is currently insufficient to determine the role of this variant in disease. Therefore, it has been classified as a Variant of Uncertain Significance.

Literature cited by the submitters: PubMed 17576681; PubMed 9536098.